The following is an entry in ClinVar:

ClinVar aggregate classification (germline): Likely pathogenic (1 of 4 stars; one submission).

Submission:

GeneDx
Classification: Likely pathogenic. Last evaluated: 2017-07-17. Review status: criteria provided, single submitter. Criteria: GeneDx Variant Classification (06012015). Collection method: clinical testing. Allele origin: germline. Affected: yes.
Comment: The S344X variant in the GALC gene has not been reported previously as a pathogenic variant, nor as a benign variant, to our knowledge. This variant is predicted to cause loss of normal protein function either through protein truncation or nonsense-mediated mRNA decay. The S344X variant is not observed in large population cohorts (Lek et al., 2016; 1000 Genomes Consortium et al., 2015; Exome Variant Server). We interpret S344X as a likely pathogenic variant.

NM_000153.4(GALC):c.1031C>G (p.Ser344Ter)

Gene: GALC (galactosylceramidase; minus strand). Cytogenetic location: 14q31.3.
Variant type: single nucleotide variant.
Coding change: c.1031C>G on transcript NM_000153.4 (MANE Select); coding-DNA position 1031, C replaced by G.
Protein change: p.Ser344Ter; replaces serine 344 with a stop codon.
Molecular consequence: nonsense.
Genome position (GRCh38, 1-based): chr14:87,965,507, G>C on the plus strand (C>G on the coding strand, the complement: GALC is on the minus strand). VCF-style: chr14-87965507-G-C. GRCh37 (hg19) VCF-style: chr14-88431851-G-C.
Other names: c.962C>G, p.Ser321Ter (NM_001201401.2); c.953C>G, p.Ser318Ter (NM_001201402.2); short protein forms S344*, S321*, S318*.
Identifiers: ClinVar variation 450548 (VCV000450548.3), dbSNP rs1555381559, ClinGen allele CA390747401.